The following is an entry in ClinVar:

ClinVar aggregate classification (germline): Uncertain significance (1 of 4 stars; one submission).

Conditions:
Autosomal recessive limb-girdle muscular dystrophy type 2A (LGMDR1). Also called: Calpainopathy; LEYDEN-MOEBIUS MUSCULAR DYSTROPHY; MUSCULAR DYSTROPHY, PELVOFEMORAL; Limb-girdle muscular dystrophy, type 2A; Muscular dystrophy, limb-girdle, type 2A, Amish. Identifiers: Orphanet 267, MedGen C1869123, MONDO:0009675, OMIM 253600. Disease mechanism: loss of function.

Submission:

Labcorp Genetics (formerly Invitae), Labcorp
Classification: Uncertain significance for Autosomal recessive limb-girdle muscular dystrophy type 2A. Last evaluated: 2023-07-25. Review status: criteria provided, single submitter. Criteria: Invitae Variant Classification Sherloc (09022015). Collection method: clinical testing. Allele origin: germline.
Comment: In summary, the available evidence is currently insufficient to determine the role of this variant in disease. Therefore, it has been classified as a Variant of Uncertain Significance. Advanced modeling of protein sequence and biophysical properties (such as structural, functional, and spatial information, amino acid conservation, physicochemical variation, residue mobility, and thermodynamic stability) performed at Invitae indicates that this missense variant is expected to disrupt CAPN3 protein function. This variant has not been reported in the literature in individuals affected with CAPN3-related conditions. This variant is not present in population databases (gnomAD no frequency). This sequence change replaces tryptophan, which is neutral and slightly polar, with glycine, which is neutral and non-polar, at codon 173 of the CAPN3 protein (p.Trp173Gly).

NM_000070.3(CAPN3):c.517T>G (p.Trp173Gly)

Gene: CAPN3 (calpain 3; plus strand). Cytogenetic location: 15q15.1.
Variant type: single nucleotide variant.
Coding change: c.517T>G on transcript NM_000070.3 (MANE Select); coding-DNA position 517, T replaced by G.
Protein change: p.Trp173Gly; replaces tryptophan 173 with glycine.
Molecular consequence: missense variant.
Genome position (GRCh38, 1-based): chr15:42,387,771, T>G. VCF-style: chr15-42387771-T-G. GRCh37 (hg19) VCF-style: chr15-42679969-T-G.
Other names: c.517T>G, p.Trp173Gly (NM_024344.2, NM_173087.2); c.256T>G, p.Trp86Gly (NM_212464.2); c.*210T>G (NM_212467.2); short protein forms W173G, W86G.
Identifiers: ClinVar variation 2842645 (VCV002842645.3), dbSNP rs2548257880, ClinGen allele CA391997783.